The following is an entry in ClinVar:

NM_004991.4(MECOM):c.2392G>T (p.Gly798Trp)

Gene: MECOM (MDS1 and EVI1 complex locus; minus strand). Cytogenetic location: 3q26.2.
Variant type: single nucleotide variant.
Coding change: c.2392G>T on transcript NM_004991.4 (MANE Select); coding-DNA position 2392, G replaced by T.
Protein change: p.Gly798Trp; replaces glycine 798 with tryptophan.
Molecular consequence: missense variant.
Genome position (GRCh38, 1-based): chr3:169,115,480, C>A on the plus strand (G>T on the coding strand, the complement: MECOM is on the minus strand). VCF-style: chr3-169115480-C-A. GRCh37 (hg19) VCF-style: chr3-168833268-C-A.
Other names: c.2023G>T, p.Gly675Trp (NM_001105077.4); c.1828G>T, p.Gly610Trp (NM_001105078.4, NM_001164000.2, NM_001205194.2 and 4 more transcripts); c.1831G>T, p.Gly611Trp (NM_001163999.2, NM_001366467.2, NM_001366468.2 and 1 more transcripts); c.2392G>T, p.Gly798Trp (NM_001366466.2); c.1420G>T, p.Gly474Trp (NM_001366473.2); c.856G>T, p.Gly286Trp (NM_001366474.2); short protein forms G286W, G474W, G798W, G610W, G611W, G675W.
Identifiers: ClinVar variation 3871756 (VCV003871756.1).
Genomic context (GRCh38, chr3:169,115,480, plus strand): 5'-CATGCTGCAAGGAACCATCTGAAGCAGGTCTTGATTCGACGTTGCTTCCTTTTTTTCCCC[C>A]AAACACGTGGTTTTTTCGAGGCTCAGTCAGCTTTGTCCCACTGGCTCTACTCCTACTGCC-3'
Protein context (NP_004982.2, residues 788-808): LTEPRKNHVF[Gly798Trp]GKKGSNVESR

ClinVar aggregate classification (germline): Uncertain significance (1 of 4 stars; one submission).

Conditions:
Inborn genetic diseases. Identifiers: MedGen C0950123, MeSH D030342.

Submission:

Ambry Genetics
Classification: Uncertain significance for Inborn genetic diseases. Last evaluated: 2025-01-27. Review status: criteria provided, single submitter. Criteria: Ambry Variant Classification Scheme 2023. Collection method: clinical testing. Allele origin: germline.
Comment: The p.G798W variant (also known as c.2392G>T), located in coding exon 8 of the MECOM gene, results from a G to T substitution at nucleotide position 2392. The glycine at codon 798 is replaced by tryptophan, an amino acid with highly dissimilar properties. This amino acid position is conserved. In addition, this alteration is predicted to be tolerated by in silico analysis. Based on the available evidence, the clinical significance of this variant remains unclear.